The following is an entry in ClinVar:

NM_003105.6(SORL1):c.4408C>T (p.Arg1470Ter)

Genes: SORL1 (sortilin related receptor 1; plus strand), LOC126861368 (P300/CBP strongly-dependent group 1 enhancer GRCh37_chr11:121465964-121467163; plus strand). Cytogenetic location: 11q24.1.
Variant type: single nucleotide variant.
Coding change: c.4408C>T on transcript NM_003105.6 (MANE Select); coding-DNA position 4408, C replaced by T.
Protein change: p.Arg1470Ter; replaces arginine 1470 with a stop codon.
Molecular consequence: nonsense.
Genome position (GRCh38, 1-based): chr11:121,595,661, C>T. VCF-style: chr11-121595661-C-T. GRCh37 (hg19) VCF-style: chr11-121466370-C-T.
Other names: short protein forms R1470*.
Identifiers: ClinVar variation 4761662 (VCV004761662.1).

ClinVar aggregate classification (germline): Pathogenic (1 of 4 stars; one submission).

Submission:

Labcorp Genetics (formerly Invitae), Labcorp
Classification: Pathogenic. Last evaluated: 2025-06-01. Review status: criteria provided, single submitter. Criteria: Invitae Variant Classification Sherloc (09022015). Collection method: clinical testing. Allele origin: germline.
Comment: This sequence change creates a premature translational stop signal (p.Arg1470*) in the SORL1 gene. It is expected to result in an absent or disrupted protein product. Loss-of-function variants in SORL1 are known to be pathogenic (PMID: 26303663, 27026413). This variant is not present in population databases (gnomAD no frequency). This premature translational stop signal has been observed in individual(s) with Alzheimer’s disease (PMID: 35457051). For these reasons, this variant has been classified as Pathogenic.

Literature cited by the submitters: PubMed 26303663; PubMed 27026413; PubMed 35457051.